The following is an entry in ClinVar:

ClinVar aggregate classification (germline): Uncertain significance (1 of 4 stars; one submission).

Conditions:
Early Myoclonic Encephalopathy. Identifiers: MedGen C0270855.

Allele frequency attached by ClinVar (database versions not stated): gnomAD exomes below 0.00001; ExAC 0.00001; gnomAD 0.00003; ESP Exome Variant Server 0.00008; TOPMed 0.00004.
gnomAD v4.1: 6 of 1,613,810 alleles (0.00037%); highest among the groups gnomAD compares: Non-Finnish European, 0.00025%; no homozygotes.

Submission:

Labcorp Genetics (formerly Invitae), Labcorp
Classification: Uncertain significance for Early Myoclonic Encephalopathy. Last evaluated: 2025-12-05. Review status: criteria provided, single submitter. Criteria: Invitae Variant Classification Sherloc (09022015). Collection method: clinical testing. Allele origin: germline.
Comment: This sequence change replaces arginine, which is basic and polar, with leucine, which is neutral and non-polar, at codon 100 of the KCND2 protein (p.Arg100Leu). This variant is not present in population databases (gnomAD no frequency). This variant has not been reported in the literature in individuals affected with KCND2-related conditions. ClinVar contains an entry for this variant (Variation ID: 662969). Invitae Evidence Modeling of protein sequence and biophysical properties (such as structural, functional, and spatial information, amino acid conservation, physicochemical variation, residue mobility, and thermodynamic stability) indicates that this missense variant is expected to disrupt KCND2 protein function with a positive predictive value of 95%. In summary, the available evidence is currently insufficient to determine the role of this variant in disease. Therefore, it has been classified as a Variant of Uncertain Significance.

NM_012281.3(KCND2):c.299G>T (p.Arg100Leu)

Gene: KCND2 (potassium voltage-gated channel subfamily D member 2; plus strand). Cytogenetic location: 7q31.31.
Variant type: single nucleotide variant.
Coding change: c.299G>T on transcript NM_012281.3 (MANE Select); coding-DNA position 299, G replaced by T.
Protein change: p.Arg100Leu; replaces arginine 100 with leucine.
Molecular consequence: missense variant.
Genome position (GRCh38, 1-based): chr7:120,274,931, G>T. VCF-style: chr7-120274931-G-T. GRCh37 (hg19) VCF-style: chr7-119914985-G-T.
Other names: short protein forms R100L.
Identifiers: ClinVar variation 662969 (VCV000662969.6), dbSNP rs377746178, ClinGen allele CA4453483.
Genomic context (GRCh38, chr7:120,274,931, plus strand): 5'-CTCAGCAGTATTTCTTTGACCGTGACCCAGACATCTTCCGCCACATCCTGAATTTCTACC[G>T]CACTGGGAAGCTCCACTATCCTCGCCACGAGTGCATCTCTGCTTACGATGAAGAACTGGC-3'
Protein context (NP_036413.1, residues 90-110): DIFRHILNFY[Arg100Leu]TGKLHYPRHE